The following is an entry in ClinVar:

ClinVar aggregate classification (germline): Uncertain significance (1 of 4 stars; one submission).

Conditions:
Emery-Dreifuss muscular dystrophy (EDMD). Also called: Scapuloperoneal syndrome, X-linked (formerly); Humeroperoneal neuromuscular disease, (formerly). Identifiers: Orphanet 261, MedGen C0410189, MONDO:0016830.

Submission:

Labcorp Genetics (formerly Invitae), Labcorp
Classification: Uncertain significance for Emery-Dreifuss muscular dystrophy. Last evaluated: 2025-04-14. Review status: criteria provided, single submitter. Criteria: Invitae Variant Classification Sherloc (09022015). Collection method: clinical testing. Allele origin: germline.
Comment: This sequence change creates a premature translational stop signal (p.Gln417*) in the SUN1 gene. It is expected to result in an absent or disrupted protein product. However, the current clinical and genetic evidence is not sufficient to establish whether loss-of-function variants in SUN1 cause disease. This variant is not present in population databases (gnomAD no frequency). This variant has not been reported in the literature in individuals affected with SUN1-related conditions. Algorithms developed to predict the effect of sequence changes on RNA splicing suggest that this variant may disrupt the consensus splice site. In summary, the available evidence is currently insufficient to determine the role of this variant in disease. Therefore, it has been classified as a Variant of Uncertain Significance.

NM_001130965.3(SUN1):c.1249C>T (p.Gln417Ter)

Gene: SUN1 (Sad1 and UNC84 domain containing 1; plus strand). Cytogenetic location: 7p22.3.
Variant type: single nucleotide variant.
Coding change: c.1249C>T on transcript NM_001130965.3 (MANE Select); coding-DNA position 1249, C replaced by T.
Protein change: p.Gln417Ter; replaces glutamine 417 with a stop codon.
Molecular consequence: nonsense. On other transcripts: non-coding transcript variant (1), intron variant (6).
Genome position (GRCh38, 1-based): chr7:853,604, C>T. VCF-style: chr7-853604-C-T. GRCh37 (hg19) VCF-style: chr7-893241-C-T.
Other names: c.1180C>T, p.Gln394Ter (NM_001367644.1); c.1210C>T, p.Gln404Ter (NM_001367645.1, NM_001367667.1, NM_001367689.1); c.1378C>T, p.Gln460Ter (NM_001367646.1); c.1291C>T, p.Gln431Ter (NM_001367647.1, NM_001367668.1); c.1111C>T, p.Gln371Ter (NM_001367648.1); c.1294C>T, p.Gln432Ter (NM_001367649.1); c.1663C>T, p.Gln555Ter (NM_001367651.1); c.1249C>T, p.Gln417Ter (NM_001367653.1, NM_001367634.1, NM_001367633.1); and 44 more; short protein forms Q179*, Q228*, Q264*, Q300*, Q314*, Q334*, Q361*, Q366*.
Identifiers: ClinVar variation 4804236 (VCV004804236.1).